The following is an entry in ClinVar:

ClinVar aggregate classification (germline): Uncertain significance (1 of 4 stars; one submission).

Conditions:
Spastic paraplegia. Identifiers: MedGen C0037772, HP:0001258.

Submission:

Labcorp Genetics (formerly Invitae), Labcorp
Classification: Uncertain significance for Spastic paraplegia. Last evaluated: 2023-08-30. Review status: criteria provided, single submitter. Criteria: Invitae Variant Classification Sherloc (09022015). Collection method: clinical testing. Allele origin: germline.
Comment: This sequence change replaces serine, which is neutral and polar, with glycine, which is neutral and non-polar, at codon 320 of the L1CAM protein (p.Ser320Gly). This variant is not present in population databases (gnomAD no frequency). This variant has not been reported in the literature in individuals affected with L1CAM-related conditions. ClinVar contains an entry for this variant (Variation ID: 2158930). Advanced modeling of protein sequence and biophysical properties (such as structural, functional, and spatial information, amino acid conservation, physicochemical variation, residue mobility, and thermodynamic stability) has been performed at Invitae for this missense variant, however the output from this modeling did not meet the statistical confidence thresholds required to predict the impact of this variant on L1CAM protein function. In summary, the available evidence is currently insufficient to determine the role of this variant in disease. Therefore, it has been classified as a Variant of Uncertain Significance.

NM_001278116.2(L1CAM):c.958A>G (p.Ser320Gly)

Gene: L1CAM (L1 cell adhesion molecule; minus strand). Cytogenetic location: Xq28.
Variant type: single nucleotide variant.
Coding change: c.958A>G on transcript NM_001278116.2 (MANE Select); coding-DNA position 958, A replaced by G.
Protein change: p.Ser320Gly; replaces serine 320 with glycine.
Molecular consequence: missense variant.
Genome position (GRCh38, 1-based): chrX:153,870,089, T>C on the plus strand (A>G on the coding strand, the complement: L1CAM is on the minus strand). VCF-style: chrX-153870089-T-C. GRCh37 (hg19) VCF-style: chrX-153135544-T-C.
Other names: c.958A>G, p.Ser320Gly (NM_000425.5, NM_024003.3); c.943A>G, p.Ser315Gly (NM_001143963.2); short protein forms S315G, S320G.
Identifiers: ClinVar variation 2158930 (VCV002158930.4), dbSNP rs2521016830, ClinGen allele CA415131627.